The following is an entry in ClinVar:

NM_001039348.3(EFEMP1):c.265C>G (p.Gln89Glu)

Gene: EFEMP1 (EGF-like fibulin extracellular matrix protein 1; minus strand). Cytogenetic location: 2p16.1.
Variant type: single nucleotide variant.
Coding change: c.265C>G on transcript NM_001039348.3 (MANE Select); coding-DNA position 265, C replaced by G.
Protein change: p.Gln89Glu; replaces glutamine 89 with glutamic acid.
Molecular consequence: missense variant.
Genome position (GRCh38, 1-based): chr2:55,917,917, G>C on the plus strand (C>G on the coding strand, the complement: EFEMP1 is on the minus strand). VCF-style: chr2-55917917-G-C. GRCh37 (hg19) VCF-style: chr2-56145052-G-C.
Other names: c.265C>G, p.Gln89Glu (NM_001039349.3); short protein forms Q89E.
Identifiers: ClinVar variation 2871438 (VCV002871438.3), dbSNP rs1325777848, ClinGen allele CA347026818.
Genomic context (GRCh38, chr2:55,917,917, plus strand): 5'-TTGCCATGCTGCTGGCAGCTACAACCCCGGTGGTTGCCCCTGAGGTTCCTTCTGCTGGTT[G>C]TGTTTCCTGCTGAGGCTGTTCATTATTGACAATAATCTGGGCTGTTTTCGGAAGGCAGAG-3'
Protein context (NP_001034437.1, residues 79-99): VNNEQPQQET[Gln89Glu]PAEGTSGATT

ClinVar aggregate classification (germline): Uncertain significance (1 of 4 stars; one submission).

Allele frequency attached by ClinVar (database versions not stated): TOPMed 0.00001; gnomAD exomes below 0.00001; gnomAD 0.00001.
gnomAD v4.1: 8 of 1,614,092 alleles (0.0005%); highest among the groups gnomAD compares: Non-Finnish European, 0.00068%; no homozygotes.

Submission:

Labcorp Genetics (formerly Invitae), Labcorp
Classification: Uncertain significance. Last evaluated: 2025-05-28. Review status: criteria provided, single submitter. Criteria: Invitae Variant Classification Sherloc (09022015). Collection method: clinical testing. Allele origin: germline.
Comment: This sequence change replaces glutamine, which is neutral and polar, with glutamic acid, which is acidic and polar, at codon 89 of the EFEMP1 protein (p.Gln89Glu). This variant is present in population databases (no rsID available, gnomAD 0.002%). This variant has not been reported in the literature in individuals affected with EFEMP1-related conditions. ClinVar contains an entry for this variant (Variation ID: 2871438). An algorithm developed to predict the effect of missense changes on protein structure and function (PolyPhen-2) suggests that this variant is likely to be tolerated. In summary, the available evidence is currently insufficient to determine the role of this variant in disease. Therefore, it has been classified as a Variant of Uncertain Significance.